The following is an entry in ClinVar:

NM_001105206.3(LAMA4):c.2977-16T>A

Gene: LAMA4 (laminin subunit alpha 4; minus strand). Cytogenetic location: 6q21.
Variant type: single nucleotide variant.
Coding change: c.2977-16T>A on transcript NM_001105206.3 (MANE Select); 16 bases into the intron before coding-DNA position 2977, T replaced by A.
Molecular consequence: intron variant.
Genome position (GRCh38, 1-based): chr6:112,139,901, A>T on the plus strand (T>A on the coding strand, the complement: LAMA4 is on the minus strand). VCF-style: chr6-112139901-A-T. GRCh37 (hg19) VCF-style: chr6-112461103-A-T.
Other names: c.2956-16T>A (NM_002290.5, NM_001105207.3).
Identifiers: ClinVar variation 668291 (VCV000668291.9), dbSNP rs368833887, ClinGen allele CA3965341.
Genomic context (GRCh38, chr6:112,139,901, plus strand): 5'-TTCCAGGCAGCCAACAAAGCCAGGCAGGTTTAAGCTGGTAGGGAGCTATGCAATAGAAAA[A>T]GTAAAACCACTTGTCTCATGGTCATATTTTACTCAGACATCACAGAACAGACAATGCAAC-3'

ClinVar aggregate classification (germline): Benign/Likely benign. Review status: criteria provided, multiple submitters, no conflicts (2 of 4 stars). 3 submissions from 3 submitters: Benign (1); Likely benign (2). Last evaluated 2026-01-06.

Conditions:
Dilated cardiomyopathy 1JJ (CMD1JJ). Identifiers: Orphanet 154, MedGen C3808935, MONDO:0014095, OMIM 615235.

Allele frequency attached by ClinVar (database versions not stated): ExAC 0.00007; TOPMed 0.00012; gnomAD 0.00013 and 0.00014; ESP Exome Variant Server 0.00031.
gnomAD v4.1: 341 of 1,613,718 alleles (0.021%); highest among the groups gnomAD compares: Non-Finnish European, 0.027%; no homozygotes.

Submissions (3):

Labcorp Genetics (formerly Invitae), Labcorp
Classification: Likely benign for Dilated cardiomyopathy 1JJ. Last evaluated: 2026-01-06. Review status: criteria provided, single submitter. Criteria: Invitae Variant Classification Sherloc (09022015). Collection method: clinical testing. Allele origin: germline.

Women's Health and Genetics/Laboratory Corporation of America, LabCorp
Classification: Benign. Last evaluated: 2023-11-27. Review status: criteria provided, single submitter. Criteria: LabCorp Variant Classification Summary - May 2015. Collection method: clinical testing. Allele origin: germline.

GeneDx
Classification: Likely benign. Last evaluated: 2018-05-11. Review status: criteria provided, single submitter. Criteria: GeneDx Variant Classification (06012015). Collection method: clinical testing. Allele origin: germline. Affected: yes.
Comment: This variant is considered likely benign or benign based on one or more of the following criteria: it is a conservative change, it occurs at a poorly conserved position in the protein, it is predicted to be benign by multiple in silico algorithms, and/or has population frequency not consistent with disease.